The following is an entry in ClinVar:

ClinVar aggregate classification (germline): Likely pathogenic (1 of 4 stars; one submission).

Conditions:
VPS13A-related neurodegenerative disease. Also called: LEVINE-CRITCHLEY SYNDROME; Choreoacanthocytosis; Chorea-acanthocytosis; ACANTHOCYTOSIS WITH NEUROLOGIC DISORDER; VPS13A Disease; Choreaacanthocytosis. Identifiers: Orphanet 2388, MedGen C0393576, MONDO:0008695, OMIM 200150.

Submission:

Natera, Inc.
Classification: Likely pathogenic for Choreaacanthocytosis. Last evaluated: 2024-11-18. Review status: criteria provided, single submitter. Criteria: Natera Variant Classification Schema (03/2026). Collection method: clinical testing. Allele origin: germline.
Comment: The c.2900_2904+5del variant in VPS13A is a frameshift variant predicted to shift the reading frame and introduce a stop codon. This variant is expected to result in nonsense mediated decay, truncation, or a dysfunctional protein product. This variant is rare in the general population with a frequency below the threshold expected for the associated phenotype(s). Given the available evidence, this variant is classified as Likely Pathogenic.

NM_033305.3(VPS13A):c.2900_2904+5del

Gene: VPS13A (vacuolar protein sorting 13 homolog A; plus strand). Cytogenetic location: 9q21.2.
Variant type: Deletion.
Coding change: c.2900_2904+5del on transcript NM_033305.3 (MANE Select); coding-DNA position 2900 through 5 bases into the intron after coding-DNA position 2904, 10 bases deleted (TAAAGGTAAG; older notation c.2900_2904+5delTAAAGGTAAG).
Molecular consequence: splice donor variant.
Genome position (GRCh38, 1-based): chr9:77,280,234-77,280,243, TAAAGGTAAG deleted; deleting any 10 consecutive bases within chr9:77,280,233-77,280,243 gives the same sequence; the c. name uses the placement nearest the transcript's 3' end. VCF-style (leftmost placement, unchanged base first): chr9-77280232-TGTAAAGGTAA-T. GRCh37 (hg19) VCF-style: chr9-79895148-TGTAAAGGTAA-T.
Other names: c.2900_2904+5del (NM_001018037.2, NM_015186.4, NM_001018038.3).
Identifiers: ClinVar variation 4816389 (VCV004816389.1).